The following is an entry in ClinVar:

ClinVar aggregate classification (germline): Uncertain significance. Review status: criteria provided, multiple submitters, no conflicts (2 of 4 stars). 2 submissions from 2 submitters: Uncertain significance (2). Last evaluated 2024-01-23.

Conditions:
Epilepsy, familial focal, with variable foci 3 (FFEVF3). Identifiers: MedGen C4310708, MONDO:0014925, OMIM 617118.

Allele frequency attached by ClinVar (database versions not stated): gnomAD 0.00001; TOPMed 0.00001.

Submissions (2):

GeneDx
Classification: Uncertain significance. Last evaluated: 2024-01-23. Review status: criteria provided, single submitter. Criteria: GeneDx Variant Classification Process June 2021. Collection method: clinical testing. Allele origin: germline. Affected: yes.
Comment: Not observed in large population cohorts (gnomAD); In silico analysis supports that this missense variant has a deleterious effect on protein structure/function; Has not been previously published as pathogenic or benign to our knowledge

Labcorp Genetics (formerly Invitae), Labcorp
Classification: Uncertain significance for Epilepsy, familial focal, with variable foci 3. Last evaluated: 2024-01-23. Review status: criteria provided, single submitter. Criteria: Invitae Variant Classification Sherloc (09022015). Collection method: clinical testing. Allele origin: germline.
Comment: This sequence change replaces serine, which is neutral and polar, with asparagine, which is neutral and polar, at codon 251 of the NPRL3 protein (p.Ser251Asn). This variant is not present in population databases (gnomAD no frequency). This missense change has been observed in individual(s) with familial focal epilepsy with variable foci (Invitae). ClinVar contains an entry for this variant (Variation ID: 1312610). Advanced modeling of protein sequence and biophysical properties (such as structural, functional, and spatial information, amino acid conservation, physicochemical variation, residue mobility, and thermodynamic stability) performed at Invitae indicates that this missense variant is not expected to disrupt NPRL3 protein function with a negative predictive value of 80%. In summary, the available evidence is currently insufficient to determine the role of this variant in disease. Therefore, it has been classified as a Variant of Uncertain Significance.

NM_001077350.3(NPRL3):c.752G>A (p.Ser251Asn)

Genes: HBA-LCR (alpha-globin locus control region; plus strand), NPRL3 (NPR3 like, GATOR1 complex subunit; minus strand). Cytogenetic location: 16p13.3.
Variant type: single nucleotide variant.
Coding change: c.752G>A on transcript NM_001077350.3 (MANE Select); coding-DNA position 752, G replaced by A.
Protein change: p.Ser251Asn; replaces serine 251 with asparagine.
Molecular consequence: missense variant.
Genome position (GRCh38, 1-based): chr16:100,387, C>T on the plus strand (G>A on the coding strand, the complement: NPRL3 is on the minus strand). VCF-style: chr16-100387-C-T. GRCh37 (hg19) VCF-style: chr16-150385-C-T.
Other names: c.215G>A, p.Ser72Asn (NM_001039476.3); c.518G>A, p.Ser173Asn (NM_001243247.2); c.677G>A, p.Ser226Asn (NM_001243248.2, NM_001243249.2); short protein forms S173N, S226N, S251N, S72N.
Identifiers: ClinVar variation 1312610 (VCV001312610.8), dbSNP rs916257624, ClinGen allele CA276411454.